The following is an entry in ClinVar:

NM_001184880.2(PCDH19):c.2616+191G>T

Gene: PCDH19 (protocadherin 19; minus strand). Cytogenetic location: Xq22.1.
Variant type: single nucleotide variant.
Coding change: c.2616+191G>T on transcript NM_001184880.2 (MANE Select); 191 bases into the intron after coding-DNA position 2616, G replaced by T.
Molecular consequence: intron variant.
Genome position (GRCh38, 1-based): chrX:100,402,333, C>A on the plus strand (G>T on the coding strand, the complement: PCDH19 is on the minus strand). VCF-style: chrX-100402333-C-A. GRCh37 (hg19) VCF-style: chrX-99657331-C-A.
Other names: c.2475+191G>T (NM_020766.3, NM_001105243.2).
Identifiers: ClinVar variation 673056 (VCV000673056.1), dbSNP rs10482000, ClinGen allele CA333825793.

ClinVar aggregate classification (germline): Benign (1 of 4 stars; one submission).

Allele frequency attached by ClinVar (database versions not stated): gnomAD 0.05242 and 0.05593; 1000 Genomes Project 0.05589; 1000 Genomes Project 30x 0.05994; TOPMed 0.06055.
gnomAD v4.1: 5,818 of 112,252 alleles (5.2%); highest among the groups gnomAD compares: African/African-American, 18%; 354 homozygotes.

Submission:

GeneDx
Classification: Benign. Last evaluated: 2018-06-14. Review status: criteria provided, single submitter. Criteria: GeneDx Variant Classification (06012015). Collection method: clinical testing. Allele origin: germline. Affected: yes.
Comment: This variant is considered likely benign or benign based on one or more of the following criteria: it is a conservative change, it occurs at a poorly conserved position in the protein, it is predicted to be benign by multiple in silico algorithms, and/or has population frequency not consistent with disease.